The following is an entry in ClinVar:

NC_000017.10:g.(?_62034502)_(62034898_?)del

Gene: SCN4A (sodium voltage-gated channel alpha subunit 4; minus strand). Cytogenetic location: 17q23.3.
Variant type: Deletion.
Identifiers: ClinVar variation 3243114 (VCV003243114.1).

ClinVar aggregate classification (germline): Uncertain significance (1 of 4 stars; one submission).

Conditions:
Hyperkalemic periodic paralysis. Also called: Familial hyperkalemic periodic paralysis; Gamstorp disease. Identifiers: Orphanet 682, MedGen C0238357, MONDO:0008224, OMIM 170500, HP:0007215.

Submission:

Labcorp Genetics (formerly Invitae), Labcorp
Classification: Uncertain significance for Hyperkalemic periodic paralysis. Last evaluated: 2023-10-23. Review status: criteria provided, single submitter. Criteria: Invitae Variant Classification Sherloc (09022015). Collection method: clinical testing. Allele origin: unknown.
Comment: This variant is a gross deletion of the genomic region encompassing exon(s) 13 of the SCN4A gene. This variant would be expected to be in-frame, preserving the integrity of the reading frame. This variant has not been reported in the literature in individuals affected with SCN4A-related conditions. Experimental studies and prediction algorithms are not available or were not evaluated, and the functional significance of this variant is currently unknown. In summary, the available evidence is currently insufficient to determine the role of this variant in disease. Therefore, it has been classified as a Variant of Uncertain Significance.